The following is an entry in ClinVar:

ClinVar aggregate classification (germline): Likely pathogenic (1 of 4 stars; one submission).

Conditions:
Mucopolysaccharidosis type 6 (MPS6). Also called: N-ACETYLGALACTOSAMINE-4-SULFATASE DEFICIENCY; MPS VI; MPS 6; Maroteaux Lamy syndrome; ARSB DEFICIENCY; ARYLSULFATASE B DEFICIENCY. Identifiers: Orphanet 583, MedGen C0026709, MONDO:0009661, OMIM 253200.

Submission:

Laboratory of Diagnosis and Therapy of Lysosomal Disorders, University of Padova
Classification: Likely pathogenic for Mucopolysaccharidosis type 6. Last evaluated: 2018-01-01. Review status: criteria provided, single submitter. Criteria: ACMG Guidelines, 2015. Collection method: curation. Allele origin: germline. Affected: yes.
Comment: In vitro functional studies supportive of a damaging effect on the gene product (low to no ARSB activity in homozygotes; PS3); Absent from GnomAD (PM2); Multiple lines of computational evidence support a deleterious effect on the gene product (PP3)

Literature cited by the submitters: PubMed 24243352; PubMed 30118150.

NM_000046.5(ARSB):c.532C>G (p.His178Asp)

Gene: ARSB (arylsulfatase B; minus strand). Cytogenetic location: 5q14.1.
Variant type: single nucleotide variant.
Coding change: c.532C>G on transcript NM_000046.5 (MANE Select); coding-DNA position 532, C replaced by G.
Protein change: p.His178Asp; replaces histidine 178 with aspartic acid.
Molecular consequence: missense variant.
Genome position (GRCh38, 1-based): chr5:78,964,574, G>C on the plus strand (C>G on the coding strand, the complement: ARSB is on the minus strand). VCF-style: chr5-78964574-G-C. GRCh37 (hg19) VCF-style: chr5-78260397-G-C.
Other names: c.532C>G, p.His178Asp (NM_198709.3); short protein forms H178D.
Identifiers: ClinVar variation 559796 (VCV000559796.1), dbSNP rs1554087441, ClinGen allele CA360193405.